The following is an entry in ClinVar:

NM_000194.3(HPRT1):c.364C>T (p.Leu122Phe)

Gene: HPRT1 (hypoxanthine phosphoribosyltransferase 1; plus strand). Cytogenetic location: Xq26.2.
Variant type: single nucleotide variant.
Coding change: c.364C>T on transcript NM_000194.3 (MANE Select); coding-DNA position 364, C replaced by T.
Protein change: p.Leu122Phe; replaces leucine 122 with phenylalanine.
Molecular consequence: missense variant.
Genome position (GRCh38, 1-based): chrX:134,486,510, C>T. VCF-style: chrX-134486510-C-T. GRCh37 (hg19) VCF-style: chrX-133620540-C-T.
Other names: short protein forms L122F.
Identifiers: ClinVar variation 452353 (VCV000452353.2), dbSNP rs1556028606, ClinGen allele CA414713704.

ClinVar aggregate classification (germline): Uncertain significance (1 of 4 stars; one submission).

Submission:

GeneDx
Classification: Uncertain significance. Last evaluated: 2017-09-29. Review status: criteria provided, single submitter. Criteria: GeneDx Variant Classification (06012015). Collection method: clinical testing. Allele origin: germline. Affected: yes.
Comment: The L122F variant in the HPRT1 gene has not been reported previously as a pathogenic variant, nor as a benign variant, to our knowledge. The L122F variant is not observed in large population cohorts (Lek et al., 2016). The L122F variant is a conservative amino acid substitution, which is not likely to impact secondary protein structure as these residues share similar properties. This substitution occurs at a position that is conserved across species. In silico analysis predicts this variant is probably damaging to the protein structure/function. We interpret L122F as a variant of uncertain significance.